The following is an entry in ClinVar:

ClinVar aggregate classification (germline): Benign/Likely benign. Review status: criteria provided, multiple submitters, no conflicts (2 of 4 stars). 4 submissions from 4 submitters: Benign (2); Likely benign (2). Last evaluated 2025-10-31.

Conditions:
Hereditary cancer-predisposing syndrome. Also called: Tumor predisposition; Hereditary Cancer Syndrome; Hereditary neoplastic syndrome; Neoplastic Syndromes, Hereditary. Identifiers: Orphanet 140162, MedGen C0027672, MeSH D009386, MONDO:0015356.
Familial cancer of breast. Also called: BREAST CANCER, FAMILIAL; Hereditary breast cancer; hereditary breast carcinoma. Identifiers: Orphanet 227535, MedGen C0346153, MONDO:0016419, OMIM 114480. Disease mechanism: loss of function.

gnomAD v4.1: 1 of 1,614,104 alleles (0.000062%); highest among the groups gnomAD compares: Non-Finnish European, 0.000085%; no homozygotes.

Submissions (4):

Labcorp Genetics (formerly Invitae), Labcorp
Classification: Likely benign for Familial cancer of breast. Last evaluated: 2025-10-31. Review status: criteria provided, single submitter. Criteria: Invitae Variant Classification Sherloc (09022015). Collection method: clinical testing. Allele origin: germline.

Myriad Genetics, Inc.
Classification: Benign for Familial cancer of breast. Last evaluated: 2025-01-14. Review status: criteria provided, single submitter. Criteria: Myriad Autosomal Dominant, Autosomal Recessive and X-Linked Classification Criteria (2023). Collection method: clinical testing. Allele origin: unknown.
Comment: This variant is considered benign. This variant is a silent/synonymous amino acid change and it is not expected to impact splicing.

Ambry Genetics
Classification: Likely benign for Hereditary cancer-predisposing syndrome. Last evaluated: 2021-04-13. Review status: criteria provided, single submitter. Criteria: Ambry Variant Classification Scheme 2023. Collection method: clinical testing. Allele origin: germline.

GeneDx
Classification: Benign. Last evaluated: 2014-10-01. Review status: criteria provided, single submitter. Criteria: GeneDx Variant Classification (06012015). Collection method: clinical testing. Allele origin: germline. Affected: yes.
Comment: This variant is considered likely benign or benign based on one or more of the following criteria: it is a conservative change, it occurs at a poorly conserved position in the protein, it is predicted to be benign by multiple in silico algorithms, and/or has population frequency not consistent with disease.

NM_024675.4(PALB2):c.1611G>C (p.Ser537=)

Gene: PALB2 (partner and localizer of BRCA2; minus strand). Cytogenetic location: 16p12.2.
Variant type: single nucleotide variant.
Coding change: c.1611G>C on transcript NM_024675.4 (MANE Select); coding-DNA position 1611, G replaced by C.
Protein change: p.Ser537=; no amino-acid change (serine 537 retained).
Molecular consequence: synonymous variant.
Genome position (GRCh38, 1-based): chr16:23,634,935, C>G on the plus strand (G>C on the coding strand, the complement: PALB2 is on the minus strand). VCF-style: chr16-23634935-C-G. GRCh37 (hg19) VCF-style: chr16-23646256-C-G.
Other names: p.S537S:TCG>TCC.
Identifiers: ClinVar variation 182751 (VCV000182751.15), dbSNP rs730881874, ClinGen allele CA299681.